The following is an entry in ClinVar:

NM_000020.3(ACVRL1):c.1064A>C (p.His355Pro)

Gene: ACVRL1 (activin A receptor like type 1; plus strand). Cytogenetic location: 12q13.13.
Variant type: single nucleotide variant.
Coding change: c.1064A>C on transcript NM_000020.3 (MANE Select); coding-DNA position 1064, A replaced by C.
Protein change: p.His355Pro; replaces histidine 355 with proline.
Molecular consequence: missense variant.
Genome position (GRCh38, 1-based): chr12:51,916,051, A>C. VCF-style: chr12-51916051-A-C. GRCh37 (hg19) VCF-style: chr12-52309835-A-C.
Other names: c.1064A>C, p.His355Pro (NM_001077401.2); short protein forms H355P.
Identifiers: ClinVar variation 842531 (VCV000842531.17), dbSNP rs371005117, ClinGen allele CA6573060.

ClinVar aggregate classification (germline): Uncertain significance. Review status: criteria provided, multiple submitters, no conflicts (2 of 4 stars). 5 submissions from 5 submitters: Uncertain significance (5). Last evaluated 2025-01-05.

Conditions:
Telangiectasia, hereditary hemorrhagic, type 2 (HHT2). Also called: Telangiectasia, hereditary hemorrhagic, type II; ACVRL1-Related Hereditary Hemorrhagic Telangiectasia. Identifiers: Orphanet 774, MedGen C1838163, MONDO:0010880, OMIM 600376. Disease mechanism: loss of function.
ACVRL1-related disorder. Also called: ACVRL1-related disorders; ACVRL1-related condition.

Allele frequency attached by ClinVar (database versions not stated): gnomAD exomes 0.00001 and 0.00005; TOPMed 0.00002; ESP Exome Variant Server 0.00008; ExAC 0.00001; gnomAD 0.00001.
gnomAD v4.1: 71 of 1,612,642 alleles (0.0044%); highest among the groups gnomAD compares: Non-Finnish European, 0.006%; no homozygotes.

Submissions (5):

GeneDx
Classification: Uncertain significance. Last evaluated: 2025-01-05. Review status: criteria provided, single submitter. Criteria: GeneDx Variant Classification Process June 2021. Collection method: clinical testing. Allele origin: germline. Affected: yes.
Comment: Not observed at significant frequency in large population cohorts (gnomAD); In silico analysis supports that this missense variant has a deleterious effect on protein structure/function; This variant is associated with the following publications: (PMID: 32510566, 31727138)

Department of Pathology and Laboratory Medicine, Sinai Health System
Classification: Uncertain significance for telangiectasia, hereditary hemorrhagic, type 2. Last evaluated: 2023-06-20. Review status: criteria provided, single submitter. Criteria: ACMG Guidelines, 2015. Collection method: research. Allele origin: germline.

PreventionGenetics, part of Exact Sciences
Classification: Uncertain significance for ACVRL1-related condition. Last evaluated: 2022-08-18. Review status: criteria provided, single submitter. Criteria: ACMG Guidelines, 2015. Collection method: clinical testing. Allele origin: germline.
Comment: The ACVRL1 c.1064A>C variant is predicted to result in the amino acid substitution p.His355Pro. This variant was reported in an individual with congenital heart disease and pulmonary arterial hypertension (Table S3, Zhu et al. 2019. PubMed ID: 31727138). This variant is reported in 0.0026% of alleles in individuals of European (Non-Finnish) descent in gnomAD. At this time, the clinical significance of this variant is uncertain due to the absence of conclusive functional and genetic evidence.

Labcorp Genetics (formerly Invitae), Labcorp
Classification: Uncertain significance for Telangiectasia, hereditary hemorrhagic, type 2. Last evaluated: 2021-08-13. Review status: criteria provided, single submitter. Criteria: Invitae Variant Classification Sherloc (09022015). Collection method: clinical testing. Allele origin: germline.
Comment: This sequence change replaces histidine with proline at codon 355 of the ACVRL1 protein (p.His355Pro). The histidine residue is highly conserved and there is a moderate physicochemical difference between histidine and proline. This variant is present in population databases (rs371005117, ExAC 0.002%). This missense change has been observed in individual(s) with clinical features of ACVRL1-related conditions (Invitae). ClinVar contains an entry for this variant (Variation ID: 842531). Advanced modeling of protein sequence and biophysical properties (such as structural, functional, and spatial information, amino acid conservation, physicochemical variation, residue mobility, and thermodynamic stability) performed at Invitae indicates that this missense variant is expected to disrupt ACVRL1 protein function. In summary, the available evidence is currently insufficient to determine the role of this variant in disease. Therefore, it has been classified as a Variant of Uncertain Significance.

ARUP Laboratories, Molecular Genetics and Genomics, ARUP Laboratories
Classification: Uncertain significance for Telangiectasia, hereditary hemorrhagic, type 2. Last evaluated: 2019-09-13. Review status: criteria provided, single submitter. Criteria: ARUP Molecular Germline Variant Investigation Process. Collection method: clinical testing. Allele origin: germline.
Comment: The ACVRL1 c.1064A>C; p.His355Pro variant (rs371005117), has been previously identified in one individual included in a cohort of pulmonary arterial hypertension patients (Zhu 2019; preprint upload). It is also located in a highly conserved region of ACVRL1 (Alamut v.2.11) and nearby missense variants (p.Ala352Asp, p.Ala352Pro, p.Met354Lys) have been observed in hereditary haemorrhagic telangiectasia (HHT) patients (Olivieri 2002, Prigoda 2006, Wehner 2006). The p.His355Pro variant is found in the general population with an allele frequency in non-Finnish Europeans of 0.003% (3/113,224 alleles) in the Genome Aggregation Database. Computational analyses (SIFT, PolyPhen-2) predict that this variant is deleterious to protein function. However, based on the available information, the clinical significance of this variant is uncertain. References: Olivieri C et al. Identification of 13 new mutations in the ACVRL1 gene in a group of 52 unselected Italian patients affected by hereditary haemorrhagic telangiectasia. J Med Genet. 2002 Jul;39(7):E39. Prigoda NL et al. Hereditary haemorrhagic telangiectasia: mutation detection, test sensitivity and novel mutations. J Med Genet. 2006 Sep;43(9):722-8. Epub 2006 May 11. Wehner LE et al. Mutation analysis in hereditary haemorrhagic telangiectasia in Germany reveals 11 novel ENG and 12 novel ACVRL1/ALK1 mutations. Clin Genet. 2006 Mar;69(3):239-45. Zhu N et al. Novel risk genes and mechanisms implicated by exome sequencing of 2,572 individuals with pulmonary arterial hypertension. 2013. bioRxiv doi: 10.1101/550327v1